The following is an entry in ClinVar:

NM_001005242.3(PKP2):c.1379-1985A>G

Gene: PKP2 (plakophilin 2; minus strand). Cytogenetic location: 12p11.21.
Variant type: single nucleotide variant.
Coding change: c.1379-1985A>G on transcript NM_001005242.3 (MANE Select); 1985 bases into the intron before coding-DNA position 1379, A replaced by G.
Molecular consequence: intron variant. On other transcripts: missense variant (1).
Genome position (GRCh38, 1-based): chr12:32,843,190, T>C on the plus strand (A>G on the coding strand, the complement: PKP2 is on the minus strand). VCF-style: chr12-32843190-T-C. GRCh37 (hg19) VCF-style: chr12-32996124-T-C.
Other names: c.1502A>G, p.Asp501Gly (NM_004572.4); short protein forms D501G.
Identifiers: ClinVar variation 926007 (VCV000926007.10), dbSNP rs1193122924, ClinGen allele CA384368566.

ClinVar aggregate classification (germline): Uncertain significance. Review status: criteria provided, multiple submitters, no conflicts (2 of 4 stars). 5 submissions from 5 submitters: Uncertain significance (5). Last evaluated 2026-01-27.

Conditions:
Cardiomyopathy (CMYO). Also called: Cardiomyopathies. Identifiers: Orphanet 167848, MedGen C0878544, MONDO:0004994, HP:0001638. Inheritance: Various modes of inheritance.
Arrhythmogenic right ventricular cardiomyopathy (ARVD). Also called: Arrhythmogenic cardiomyopathy; Cardiomyopathy, ARVC; Arrhythmogenic right ventricular dysplasia; Arrhythmogenic Right Ventricular Cardiomyopathy (ARVC). Identifiers: Orphanet 247, MedGen C0349788, MeSH D019571, MONDO:0016587. Disease mechanism: loss of function. Inheritance: Various modes of inheritance.
Arrhythmogenic right ventricular dysplasia 9 (ARVD9). Also called: Arrhythmogenic Right Ventricular Dysplasia/Cardiomyopathy 9; ARRHYTHMOGENIC RIGHT VENTRICULAR DYSPLASIA, FAMILIAL, 9. Identifiers: MedGen C1836906, MONDO:0012180, OMIM 609040.

Submissions (5):

Labcorp Genetics (formerly Invitae), Labcorp
Classification: Uncertain significance for Arrhythmogenic right ventricular dysplasia 9. Last evaluated: 2026-01-27. Review status: criteria provided, single submitter. Criteria: Invitae Variant Classification Sherloc (09022015). Collection method: clinical testing. Allele origin: germline.
Comment: This sequence change replaces aspartic acid, which is acidic and polar, with glycine, which is neutral and non-polar, at codon 501 of the PKP2 protein (p.Asp501Gly). This variant is not present in population databases (gnomAD no frequency). This variant has not been reported in the literature in individuals affected with PKP2-related conditions. ClinVar contains an entry for this variant (Variation ID: 926007). An algorithm developed to predict the effect of missense changes on protein structure and function (PolyPhen-2) suggests that this variant is likely to be tolerated. In summary, the available evidence is currently insufficient to determine the role of this variant in disease. Therefore, it has been classified as a Variant of Uncertain Significance.

Color Diagnostics, LLC DBA Color Health
Classification: Uncertain significance for Cardiomyopathy. Last evaluated: 2024-08-07. Review status: criteria provided, single submitter. Criteria: ACMG Guidelines, 2015. Collection method: clinical testing. Allele origin: germline.
Comment: This missense variant replaces aspartic acid with glycine at codon 501 of the PKP2 protein. Computational prediction suggests that this variant may not impact protein structure and function. To our knowledge, functional studies have not been reported for this variant. This variant has not been reported in individuals affected with cardiovascular disorders in the literature. This variant has been reported in a healthy control subject (PMID: 21378009). This variant has not been identified in the general population by the Genome Aggregation Database (gnomAD). The available evidence is insufficient to determine the role of this variant in disease conclusively. Therefore, this variant is classified as a Variant of Uncertain Significance.

All of Us Research Program, National Institutes of Health
Classification: Uncertain significance for Arrhythmogenic right ventricular cardiomyopathy. Last evaluated: 2023-11-30. Review status: criteria provided, single submitter. Criteria: ACMG Guidelines, 2015. Collection method: clinical testing. Allele origin: germline. Inheritance: Autosomal dominant inheritance. Observed: 4 variant alleles, 4 heterozygotes.
Comment: This missense variant replaces aspartic acid with glycine at codon 501 of the PKP2 protein. Computational prediction suggests that this variant may not impact protein structure and function (internally defined REVEL score threshold <= 0.5, PMID: 27666373). To our knowledge, functional studies have not been performed for this variant. This variant has not been reported in individuals affected with cardiovascular disorders in the literature. This variant has been reported in a healthy control subject (PMID: 21378009). This variant has not been identified in the general population by the Genome Aggregation Database (gnomAD). The available evidence is insufficient to determine the role of this variant in disease conclusively. Therefore, this variant is classified as a Variant of Uncertain Significance.

This study involves interpretation of variants in research participants for the purpose of population health screening. Participant phenotype was not available at the time of variant classification. Additional details can be found in publication PMID: 35346344, PMCID: PMC8962531

Women's Health and Genetics/Laboratory Corporation of America, LabCorp
Classification: Uncertain significance. Last evaluated: 2021-11-15. Review status: criteria provided, single submitter. Criteria: LabCorp Variant Classification Summary - May 2015. Collection method: clinical testing. Allele origin: germline.
Comment: Variant summary: PKP2 c.1502A>G (p.Asp501Gly) results in a non-conservative amino acid change located in the Armadillo-type fold homologous superfamily domain (IPR016024) of the encoded protein sequence. Four of five in-silico tools predict a benign effect of the variant on protein function. The variant was absent in 200710 control chromosomes. The available data on variant occurrences in the general population are insufficient to allow any conclusion about variant significance. c.1502A>G has been reported in the literature among control individuals in a study examining the pathogenicity of PKP2 exon 6 variants in individuals affected with Arrhythmogenic right ventricular cardiomyopathy (ARVC) (Gandjbakhch_2011). These report(s) do not provide unequivocal conclusions about association of the variant with Cardiomyopathy. At-least two co-occurrences with other pathogenic variant(s) have been reported at our laboratory (HCM-MYBPC3 c.1505G>A, p.Arg502Gln; ARVD-PKP2 c.2509delA, p.Ser837fs), providing supporting evidence for a benign role. To our knowledge, no experimental evidence demonstrating an impact on protein function has been reported. One clinical diagnostic laboratory has submitted clinical-significance assessments for this variant to ClinVar after 2014 without evidence for independent evaluation and classified the variant as uncertain significance. Based on the evidence outlined above, the variant was classified as VUS-possibly benign.

Breakthrough Genomics
Classification: Uncertain significance. Review status: criteria provided, single submitter. Criteria: ACMG Guidelines, 2015. Collection method: not provided. Allele origin: germline. Inheritance: Autosomal dominant inheritance. Affected: yes.

Literature cited by the submitters: PubMed 21378009 (cited by 3 submitters).